The following is an entry in ClinVar:

ClinVar aggregate classification (germline): Pathogenic (1 of 4 stars; one submission).

Conditions:
Landau-Kleffner syndrome (FESD). Also called: EPILEPSY, FOCAL, WITH SPEECH DISORDER AND WITH OR WITHOUT MENTAL RETARDATION; APHASIA, ACQUIRED, WITH EPILEPSY. Identifiers: Orphanet 1945, Orphanet 725, Orphanet 98818, MedGen C0282512, MONDO:0009509, OMIM 245570.

Submission:

Labcorp Genetics (formerly Invitae), Labcorp
Classification: Pathogenic for Landau-Kleffner syndrome. Last evaluated: 2022-08-16. Review status: criteria provided, single submitter. Criteria: Invitae Variant Classification Sherloc (09022015). Collection method: clinical testing. Allele origin: germline.
Comment: This variant is a gross deletion of the genomic region encompassing exon(s) 3 of the GRIN2A gene, which includes the initiator codon. This deletion extends beyond the assayed region for this gene and therefore may encompass additional genes. It is expected to result in an absent or disrupted protein product. Loss-of-function variants in GRIN2A are known to be pathogenic (PMID: 23933819, 23933820). This variant has not been reported in the literature in individuals affected with GRIN2A-related conditions. For these reasons, this variant has been classified as Pathogenic.

Literature cited by the submitters: PubMed 23933819; PubMed 23933820.

NC_000016.9:g.(?_10273835)_(10274268_?)del

Gene: GRIN2A (glutamate ionotropic receptor NMDA type subunit 2A; minus strand). Cytogenetic location: 16p13.2.
Variant type: Deletion.
Identifiers: ClinVar variation 2423418 (VCV002423418.6).